The following is an entry in ClinVar:

NM_001374385.1(ATP8B1):c.2707+4A>G

Genes: ATP8B1 (ATPase phospholipid transporting 8B1; minus strand), ATP8B1-AS1 (ATP8B1 antisense RNA 1; plus strand). Cytogenetic location: 18q21.31.
Variant type: single nucleotide variant.
Coding change: c.2707+4A>G on transcript NM_001374385.1 (MANE Select); 4 bases into the intron after coding-DNA position 2707, A replaced by G.
Molecular consequence: intron variant.
Genome position (GRCh38, 1-based): chr18:57,661,170, T>C on the plus strand (A>G on the coding strand, the complement: ATP8B1 is on the minus strand). VCF-style: chr18-57661170-T-C. GRCh37 (hg19) VCF-style: chr18-55328402-T-C.
Other names: c.2707+4A>G (NM_005603.6); c.2557+4A>G (NM_001374386.1).
Identifiers: ClinVar variation 4846346 (VCV004846346.1).

ClinVar aggregate classification (germline): Uncertain significance (1 of 4 stars; one submission).

Conditions:
Familial intrahepatic cholestasis. Identifiers: Orphanet 284385, MedGen CN296401, MONDO:0017290.

gnomAD v4.1: 1 of 1,613,388 alleles (0.000062%); highest among the groups gnomAD compares: Admixed American, 0.0017%; no homozygotes.

Submission:

Genomenon, Inc
Classification: Uncertain significance for Familial intrahepatic cholestasis. Last evaluated: 2026-04-14. Review status: criteria provided, single submitter. Criteria: Genomenon Sequence Variant Interpretation Standards - Updated. Collection method: curation. Allele origin: germline. Affected: yes.
Comment: ATP8B1 c.2707+4A>G is an intronic variant located in the donor splice region of intron 22. This variant has been observed in at least one proband with features of ATP8B1-deficiency (PMID:40851490). It is absent or not present at a significant frequency in gnomAD. In silico models predict that this variant is possibly or probably damaging. In conclusion, we classify ATP8B1 c.2707+4A>G as a variant of uncertain significance.

Literature cited by the submitters: PubMed 40851490.